The following is an entry in ClinVar:

NM_001323289.2(CDKL5):c.1952A>G (p.Glu651Gly)

Gene: CDKL5 (cyclin dependent kinase like 5; plus strand). Cytogenetic location: Xp22.13.
Variant type: single nucleotide variant.
Coding change: c.1952A>G on transcript NM_001323289.2 (MANE Select); coding-DNA position 1952, A replaced by G.
Protein change: p.Glu651Gly; replaces glutamic acid 651 with glycine.
Molecular consequence: missense variant.
Genome position (GRCh38, 1-based): chrX:18,608,818, A>G. VCF-style: chrX-18608818-A-G. GRCh37 (hg19) VCF-style: chrX-18626938-A-G.
Other names: c.1952A>G, p.Glu651Gly (NM_001037343.2, NM_003159.3); short protein forms E651G.
Identifiers: ClinVar variation 3600953 (VCV003600953.3).

ClinVar aggregate classification (germline): Uncertain significance. Review status: criteria provided, multiple submitters, no conflicts (2 of 4 stars). 2 submissions from 2 submitters: Uncertain significance (2). Last evaluated 2024-09-19.

Conditions:
Developmental and epileptic encephalopathy, 2 (DEE2). Also called: CDKL5 deficiency disorder; INFANTILE SPASM SYNDROME, X-LINKED 2. Identifiers: Orphanet 1934, Orphanet 3451, Orphanet 505652, MedGen C4750718, MONDO:0010396, OMIM 300672.
Angelman syndrome-like. Identifiers: MedGen CN128785.

Submissions (2):

Labcorp Genetics (formerly Invitae), Labcorp
Classification: Uncertain significance for Developmental and epileptic encephalopathy, 2; Angelman syndrome-like. Last evaluated: 2024-09-19. Review status: criteria provided, single submitter. Criteria: Invitae Variant Classification Sherloc (09022015). Collection method: clinical testing. Allele origin: germline.
Comment: This sequence change replaces glutamic acid, which is acidic and polar, with glycine, which is neutral and non-polar, at codon 651 of the CDKL5 protein (p.Glu651Gly). This variant is not present in population databases (gnomAD no frequency). This variant has not been reported in the literature in individuals affected with CDKL5-related conditions. Invitae Evidence Modeling of protein sequence and biophysical properties (such as structural, functional, and spatial information, amino acid conservation, physicochemical variation, residue mobility, and thermodynamic stability) indicates that this missense variant is not expected to disrupt CDKL5 protein function with a negative predictive value of 95%. In summary, the available evidence is currently insufficient to determine the role of this variant in disease. Therefore, it has been classified as a Variant of Uncertain Significance.

GeneDx
Classification: Uncertain significance. Last evaluated: 2024-07-25. Review status: criteria provided, single submitter. Criteria: GeneDx Variant Classification Process June 2021. Collection method: clinical testing. Allele origin: germline. Affected: yes.
Comment: Not observed at significant frequency in large population cohorts (gnomAD); In silico analysis indicates that this missense variant does not alter protein structure/function; Has not been previously published as pathogenic or benign to our knowledge